The following is an entry in ClinVar:

NM_000235.4(LIPA):c.675+62A>C

Gene: LIPA (lipase A, lysosomal acid type; minus strand). Cytogenetic location: 10q23.31.
Variant type: single nucleotide variant.
Coding change: c.675+62A>C on transcript NM_000235.4 (MANE Select); 62 bases into the intron after coding-DNA position 675, A replaced by C.
Molecular consequence: intron variant.
Genome position (GRCh38, 1-based): chr10:89,225,030, T>G on the plus strand (A>C on the coding strand, the complement: LIPA is on the minus strand). VCF-style: chr10-89225030-T-G. GRCh37 (hg19) VCF-style: chr10-90984787-T-G.
Other names: c.327+62A>C (NM_001288979.2); c.675+62A>C (NM_001127605.3).
Identifiers: ClinVar variation 672051 (VCV000672051.6), dbSNP rs2297473, ClinGen allele CA13164024.

ClinVar aggregate classification (germline): Benign. Review status: criteria provided, multiple submitters, no conflicts (2 of 4 stars). 3 submissions from 3 submitters: Benign (3). Last evaluated 2021-07-10.

Conditions:
Lysosomal acid lipase deficiency. Also called: Acid cholesteryl ester hydrolase deficiency, type 2. Identifiers: Orphanet 275761, MedGen C5574740, MONDO:0800449, MONDO:0010204.

Allele frequency attached by ClinVar (database versions not stated): 1000 Genomes Project 30x 0.44269; 1000 Genomes Project 0.45567; gnomAD 0.32967 and 0.34263; TOPMed 0.34905.
gnomAD v4.1: 534,189 of 1,582,212 alleles (34%); highest among the groups gnomAD compares: East Asian, 78%; 98,287 homozygotes.

Submissions (3):

Genome-Nilou Lab
Classification: Benign for Cholesteryl ester storage disease. Last evaluated: 2021-07-10. Review status: criteria provided, single submitter. Criteria: ACMG Guidelines, 2015. Collection method: clinical testing. Allele origin: germline. Affected: no.

GeneDx
Classification: Benign. Last evaluated: 2018-06-19. Review status: criteria provided, single submitter. Criteria: GeneDx Variant Classification (06012015). Collection method: clinical testing. Allele origin: germline. Affected: yes.
Comment: This variant is considered likely benign or benign based on one or more of the following criteria: it is a conservative change, it occurs at a poorly conserved position in the protein, it is predicted to be benign by multiple in silico algorithms, and/or has population frequency not consistent with disease.

Breakthrough Genomics
Classification: Benign. Review status: criteria provided, single submitter. Criteria: ACMG Guidelines, 2015. Collection method: not provided. Allele origin: germline. Inheritance: Autosomal recessive inheritance. Affected: yes.